The following is an entry in ClinVar:

ClinVar aggregate classification (germline): Likely pathogenic (1 of 4 stars; one submission).

Submission:

Labcorp Genetics (formerly Invitae), Labcorp
Classification: Likely pathogenic. Last evaluated: 2019-10-09. Review status: criteria provided, single submitter. Criteria: Invitae Variant Classification Sherloc (09022015). Collection method: clinical testing. Allele origin: germline.
Comment: In summary, the currently available evidence indicates that the variant is pathogenic, but additional data are needed to prove that conclusively. Therefore, this variant has been classified as Likely Pathogenic. Donor and acceptor splice site variants typically lead to a loss of protein function (PMID: 16199547), and loss-of-function variants in SMARCB1 are known to be pathogenic (PMID: 10521299, 21208904). This variant has not been reported in the literature in individuals with SMARCB1-related conditions. This variant is not present in population databases (ExAC no frequency). This sequence change affects a donor splice site in intron 2 of the SMARCB1 gene. It is expected to disrupt RNA splicing and likely results in an absent or disrupted protein product.

Literature cited by the submitters: PubMed 16199547; PubMed 10521299; PubMed 21208904.

NM_003073.5(SMARCB1):c.232+1G>A

Gene: SMARCB1 (SWI/SNF related BAF chromatin remodeling complex subunit B1; plus strand). Cytogenetic location: 22q11.23.
Variant type: single nucleotide variant.
Coding change: c.232+1G>A on transcript NM_003073.5 (MANE Select); the canonical splice donor site of the intron after coding-DNA position 232, G replaced by A.
Molecular consequence: splice donor variant. On other transcripts: intron variant (2).
Genome position (GRCh38, 1-based): chr22:23,791,895, G>A. VCF-style: chr22-23791895-G-A. GRCh37 (hg19) VCF-style: chr22-24134082-G-A.
Other names: c.232+1G>A (NM_001362877.2); c.205+28G>A (NM_001317946.2, NM_001007468.3).
Identifiers: ClinVar variation 972408 (VCV000972408.8), dbSNP rs1928405533, ClinGen allele CA410933284.